The following is an entry in ClinVar:

NM_024312.5(GNPTAB):c.2027C>T (p.Pro676Leu)

Gene: GNPTAB (N-acetylglucosamine-1-phosphate transferase subunits alpha and beta; minus strand). Cytogenetic location: 12q23.2.
Variant type: single nucleotide variant.
Coding change: c.2027C>T on transcript NM_024312.5 (MANE Select); coding-DNA position 2027, C replaced by T.
Protein change: p.Pro676Leu; replaces proline 676 with leucine.
Molecular consequence: missense variant.
Genome position (GRCh38, 1-based): chr12:101,764,890, G>A on the plus strand (C>T on the coding strand, the complement: GNPTAB is on the minus strand). VCF-style: chr12-101764890-G-A. GRCh37 (hg19) VCF-style: chr12-102158668-G-A.
Other names: short protein forms P676L.
Identifiers: ClinVar variation 2152421 (VCV002152421.1), dbSNP rs776317231, ClinGen allele CA6746486.

ClinVar aggregate classification (germline): Uncertain significance (1 of 4 stars; one submission).

Conditions:
Mucolipidosis type II. Also called: Mucolipidosis 2; ML 2; Inclusion cell disease; Leroy Disease; N-acetylglucosamine 1phosphotransferase deficiency; ML disorder type 2. Identifiers: Orphanet 576, MedGen C2673377, MONDO:0009650, OMIM 252500.
Pseudo-Hurler polydystrophy. Also called: ML IIIA; Mucolipidosis III Alpha/Beta; MUCOLIPIDOSIS IIIA; ML III; ML III ALPHA/BETA; Type III Mucolipidosis. Identifiers: Orphanet 423461, Orphanet 577, MedGen C0033788, MONDO:0018931, OMIM 252600.

Allele frequency attached by ClinVar (database versions not stated): TOPMed 0.00001; gnomAD 0.00001; ExAC 0.00001; gnomAD exomes 0.00001.
gnomAD v4.1: 9 of 1,613,938 alleles (0.00056%); highest among the groups gnomAD compares: East Asian, 0.0045%; no homozygotes.

Submission:

Labcorp Genetics (formerly Invitae), Labcorp
Classification: Uncertain significance for Pseudo-Hurler polydystrophy; Mucolipidosis type II. Last evaluated: 2022-05-31. Review status: criteria provided, single submitter. Criteria: Invitae Variant Classification Sherloc (09022015). Collection method: clinical testing. Allele origin: germline.
Comment: This sequence change replaces proline, which is neutral and non-polar, with leucine, which is neutral and non-polar, at codon 676 of the GNPTAB protein (p.Pro676Leu). This variant is present in population databases (rs776317231, gnomAD 0.01%). This variant has not been reported in the literature in individuals affected with GNPTAB-related conditions. Algorithms developed to predict the effect of missense changes on protein structure and function are either unavailable or do not agree on the potential impact of this missense change (SIFT: "Deleterious"; PolyPhen-2: "Probably Damaging"; Align-GVGD: "Class C0"). In summary, the available evidence is currently insufficient to determine the role of this variant in disease. Therefore, it has been classified as a Variant of Uncertain Significance.